The following is an entry in ClinVar:

NC_000018.9:g.(?_21132700)_(21140464_?)del

Gene: NPC1 (NPC intracellular cholesterol transporter 1; minus strand). Cytogenetic location: 18q11.2.
Variant type: Deletion.
Identifiers: ClinVar variation 3242767 (VCV003242767.1).

ClinVar aggregate classification (germline): Pathogenic (1 of 4 stars; one submission).

Conditions:
Niemann-Pick disease, type C1. Also called: NEUROVISCERAL STORAGE DISEASE WITH VERTICAL SUPRANUCLEAR OPHTHALMOPLEGIA; NIEMANN-PICK DISEASE WITH CHOLESTEROL ESTERIFICATION BLOCK; NIEMANN-PICK DISEASE WITHOUT SPHINGOMYELINASE DEFICIENCY; NIEMANN-PICK DISEASE, CHRONIC NEURONOPATHIC FORM; NIEMANN-PICK DISEASE, VARIANT TYPE C1. Identifiers: Orphanet 646, MedGen C3179455, MONDO:0009757, OMIM 257220.

Submission:

Labcorp Genetics (formerly Invitae), Labcorp
Classification: Pathogenic for Niemann-Pick disease, type C1. Last evaluated: 2023-01-24. Review status: criteria provided, single submitter. Criteria: Invitae Variant Classification Sherloc (09022015). Collection method: clinical testing. Allele origin: unknown.
Comment: This variant is a gross deletion of the genomic region encompassing exon(s) 6-9 of the NPC1 gene. This deletion is out-of-frame, and is expected to create a premature termination codon and result in an absent or disrupted protein product. Loss-of-function variants in NPC1 are known to be pathogenic (PMID: 9211850). This variant has not been reported in the literature in individuals affected with NPC1-related conditions. For these reasons, this variant has been classified as Pathogenic.

Literature cited by the submitters: PubMed 9211850.